The following is an entry in ClinVar:

ClinVar aggregate classification (germline): Uncertain significance (1 of 4 stars; one submission).

Submission:

Labcorp Genetics (formerly Invitae), Labcorp
Classification: Uncertain significance. Last evaluated: 2023-05-17. Review status: criteria provided, single submitter. Criteria: Invitae Variant Classification Sherloc (09022015). Collection method: clinical testing. Allele origin: germline.
Comment: This sequence change replaces threonine, which is neutral and polar, with arginine, which is basic and polar, at codon 683 of the POLR1A protein (p.Thr683Arg). This variant is not present in population databases (gnomAD no frequency). In summary, the available evidence is currently insufficient to determine the role of this variant in disease. Therefore, it has been classified as a Variant of Uncertain Significance. Advanced modeling of protein sequence and biophysical properties (such as structural, functional, and spatial information, amino acid conservation, physicochemical variation, residue mobility, and thermodynamic stability) performed at Invitae indicates that this missense variant is expected to disrupt POLR1A protein function. This variant has not been reported in the literature in individuals affected with POLR1A-related conditions.

NM_015425.6(POLR1A):c.2048C>G (p.Thr683Arg)

Gene: POLR1A (RNA polymerase I subunit A; minus strand). Cytogenetic location: 2p11.2.
Variant type: single nucleotide variant.
Coding change: c.2048C>G on transcript NM_015425.6 (MANE Select); coding-DNA position 2048, C replaced by G.
Protein change: p.Thr683Arg; replaces threonine 683 with arginine.
Molecular consequence: missense variant.
Genome position (GRCh38, 1-based): chr2:86,065,284, G>C on the plus strand (C>G on the coding strand, the complement: POLR1A is on the minus strand). VCF-style: chr2-86065284-G-C. GRCh37 (hg19) VCF-style: chr2-86292407-G-C.
Other names: short protein forms T683R.
Identifiers: ClinVar variation 2861297 (VCV002861297.3), dbSNP rs2466403907, ClinGen allele CA347545634.
Genomic context (GRCh38, chr2:86,065,284, plus strand): 5'-AGTGGCCTATTTCCTTTTGTTACATACACTGGCTGTTCTCTCCCAATTACCTGTTTTCCT[G>C]TCCACAGCGGAAAGGGCTTCAGGATGGAAGGAGAAAGGAGCTTCACGCGCCCCACTTTGT-3'
Protein context (NP_056240.2, residues 673-693): PSILKPFPLW[Thr683Arg]GKQVVSTLLI